The following is an entry in ClinVar:

NM_001394062.1(MACF1):c.11721C>G (p.Gly3907=)

Gene: MACF1 (microtubule actin crosslinking factor 1; plus strand). Cytogenetic location: 1p34.3.
Variant type: single nucleotide variant.
Coding change: c.11721C>G on transcript NM_001394062.1 (MANE Select); coding-DNA position 11721, C replaced by G.
Protein change: p.Gly3907=; no amino-acid change (glycine 3907 retained).
Molecular consequence: synonymous variant.
Genome position (GRCh38, 1-based): chr1:39,357,671, C>G. VCF-style: chr1-39357671-C-G. GRCh37 (hg19) VCF-style: chr1-39823343-C-G.
Other names: c.5535C>G, p.Gly1845= (NM_012090.5).
Identifiers: ClinVar variation 2068276 (VCV002068276.29), dbSNP rs192201614, ClinGen allele CA781648.

ClinVar aggregate classification (germline): Benign/Likely benign. Review status: criteria provided, multiple submitters, no conflicts (2 of 4 stars). 3 submissions from 3 submitters: Benign (1); Likely benign (2). Last evaluated 2025-12-01.

Allele frequency attached by ClinVar (database versions not stated): TOPMed 0.00011; gnomAD 0.00021; gnomAD exomes 0.00043; ExAC 0.00110; 1000 Genomes Project 30x 0.00203; 1000 Genomes Project 0.00240.
gnomAD v4.1: 675 of 1,614,128 alleles (0.042%); highest among the groups gnomAD compares: South Asian, 0.58%; 8 homozygotes.

Submissions (3):

CeGaT Center for Human Genetics Tuebingen
Classification: Likely benign. Last evaluated: 2025-12-01. Review status: criteria provided, single submitter. Criteria: CeGaT Center For Human Genetics Tuebingen Variant Classification Criteria Version 2. Collection method: clinical testing. Allele origin: germline. Affected: yes. Observed: 2 variant alleles.
Comment: MACF1: BP4, BP7

Labcorp Genetics (formerly Invitae), Labcorp
Classification: Benign. Last evaluated: 2025-02-24. Review status: criteria provided, single submitter. Criteria: Invitae Variant Classification Sherloc (09022015). Collection method: clinical testing. Allele origin: germline.

Blueprint Genetics
Classification: Likely benign. Last evaluated: 2024-11-13. Review status: criteria provided, single submitter. Criteria: ACMG Guidelines, 2015. Collection method: clinical testing. Allele origin: germline.